The following is an entry in ClinVar:

ClinVar aggregate classification (germline): not provided (0 of 4 stars; one submission).

Allele frequency attached by ClinVar (database versions not stated): gnomAD 0.00001; gnomAD exomes 0.00001; TOPMed 0.00001.
gnomAD v4.1: 8 of 1,579,400 alleles (0.00051%); highest among the groups gnomAD compares: East Asian, 0.018%; no homozygotes.

Submission:

Human Evolutionary Genetics, Institut Pasteur
No classification provided. Review status: no classification provided. Collection method: not provided. Allele origin: germline.
ClinVar note: Converted during submission from untested to not provided.

NM_001384950.1(NLRC5):c.2477+55C>G

Gene: NLRC5 (NLR family CARD domain containing 5; plus strand). Cytogenetic location: 16q13.
Variant type: single nucleotide variant.
Coding change: c.2477+55C>G on transcript NM_001384950.1 (MANE Select); 55 bases into the intron after coding-DNA position 2477, C replaced by G.
Molecular consequence: intron variant.
Genome position (GRCh38, 1-based): chr16:57,031,518, C>G. VCF-style: chr16-57031518-C-G. GRCh37 (hg19) VCF-style: chr16-57065430-C-G.
Other names: c.2477+55C>G (NM_001384954.1, NM_001384953.1, NM_001384957.1 and 19 more transcripts); c.2393+55C>G (NM_001384960.1, NM_001384965.1); c.2306+55C>G (NM_001384972.1).
Identifiers: ClinVar variation 103163 (VCV000103163.2), dbSNP rs199475982, ClinGen allele CA230207.